The following is an entry in ClinVar:

NM_003106.4(SOX2):c.142_144del (p.Phe48del)

Genes: SOX2 (SRY-box transcription factor 2; plus strand), SOX2-OT (SOX2 overlapping transcript; plus strand), LOC108281177 (SOX2 5' regulatory region; plus strand). Cytogenetic location: 3q26.33.
Variant type: Deletion.
Coding change: c.142_144del on transcript NM_003106.4 (MANE Select); coding-DNA positions 142 to 144, 3 bases deleted (TTC; older notation c.142_144delTTC).
Protein change: p.Phe48del; deletes phenylalanine 48.
Molecular consequence: inframe deletion.
Genome position (GRCh38, 1-based): chr3:181,712,502-181,712,504, TTC deleted; deleting any 3 consecutive bases within chr3:181,712,501-181,712,504 gives the same sequence; the c. name uses the placement nearest the transcript's 3' end. VCF-style (leftmost placement, unchanged base first): chr3-181712500-CCTT-C. GRCh37 (hg19) VCF-style: chr3-181430288-CCTT-C.
Other names: short protein forms F48del.
Identifiers: ClinVar variation 2844603 (VCV002844603.3), dbSNP rs2473717246, ClinGen allele CA2739279356.
Genomic context (GRCh38, chr3:181,712,500, plus strand): 5'-CGGCGGCGGCCGGCGGCAACCAGAAAAACAGCCCGGACCGCGTCAAGCGGCCCATGAATG[CCTT>C]CATGGTGTGGTCCCGCGGGCAGCGGCGCAAGATGGCCCAGGAGAACCCCAAGATGCACAA-3'

ClinVar aggregate classification (germline): Pathogenic (1 of 4 stars; one submission).

Conditions:
Anophthalmia/microphthalmia-esophageal atresia syndrome (MCOPS3). Also called: AEG SYNDROME; SOX2 Disorder; MICROPHTHALMIA AND ESOPHAGEAL ATRESIA SYNDROME. Identifiers: Orphanet 77298, MedGen C1859773, MONDO:0008799, OMIM 206900.

Submission:

Labcorp Genetics (formerly Invitae), Labcorp
Classification: Pathogenic for Anophthalmia/microphthalmia-esophageal atresia syndrome. Last evaluated: 2023-03-09. Review status: criteria provided, single submitter. Criteria: Invitae Variant Classification Sherloc (09022015). Collection method: clinical testing. Allele origin: germline.
Comment: This variant, c.142_144del, results in the deletion of 1 amino acid(s) of the SOX2 protein (p.Phe48del), but otherwise preserves the integrity of the reading frame. This variant is not present in population databases (gnomAD no frequency). This variant has not been reported in the literature in individuals affected with SOX2-related conditions. This variant disrupts a region of the SOX2 protein in which other variant(s) (p.Phe48Ser) have been determined to be pathogenic (Invitae). This suggests that this is a clinically significant region of the protein, and that variants that disrupt it are likely to be disease-causing. For these reasons, this variant has been classified as Pathogenic.